The following is an entry in ClinVar:

ClinVar aggregate classification (germline): Uncertain significance (1 of 4 stars; one submission).

Conditions:
Wilson disease (WND). Also called: Wilson's disease. Identifiers: Orphanet 905, MedGen C0019202, MONDO:0010200, OMIM 277900. Disease mechanism: loss of function.

Submission:

Color Diagnostics, LLC DBA Color Health
Classification: Uncertain significance for Wilson disease. Last evaluated: 2025-08-22. Review status: criteria provided, single submitter. Criteria: ACMG Guidelines, 2015. Collection method: clinical testing. Allele origin: germline.
Comment: This variant is located in the 5' untranslated region of the ATP7B gene. To our knowledge, functional studies have not been reported for this variant. This variant has not been reported in individuals affected with ATP7B-related disorders in the literature. This variant has not been identified in the general population by the Genome Aggregation Database (gnomAD). The available evidence is insufficient to determine the role of this variant in disease conclusively. Therefore, this variant is classified as a Variant of Uncertain Significance.

NM_000053.4(ATP7B):c.-13T>C

Gene: ATP7B (ATPase copper transporting beta; minus strand). Cytogenetic location: 13q14.3.
Variant type: single nucleotide variant.
Coding change: c.-13T>C on transcript NM_000053.4 (MANE Select); 13 bases upstream of the start codon, T replaced by C.
Molecular consequence: 5 prime UTR variant.
Genome position (GRCh38, 1-based): chr13:52,011,350, A>G on the plus strand (T>C on the coding strand, the complement: ATP7B is on the minus strand). VCF-style: chr13-52011350-A-G. GRCh37 (hg19) VCF-style: chr13-52585486-A-G.
Other names: c.-13T>C (NM_001005918.3, NM_001243182.2, NM_001330578.2 and 30 more transcripts); c.-200T>C (NM_001406518.1); c.-142T>C (NM_001406539.1, NM_001406543.1).
Identifiers: ClinVar variation 4756284 (VCV004756284.1).